The following is an entry in ClinVar:

ClinVar aggregate classification (germline): Uncertain significance (1 of 4 stars; one submission).

Allele frequency attached by ClinVar (database versions not stated): gnomAD exomes below 0.00001; TOPMed below 0.00001; gnomAD 0.00001.
gnomAD v4.1: 2 of 1,613,240 alleles (0.00012%); highest among the groups gnomAD compares: African/African-American, 0.0027%; no homozygotes.

Submission:

Ambry Genetics
Classification: Uncertain significance. Last evaluated: 2022-12-06. Review status: criteria provided, single submitter. Criteria: Ambry Variant Classification Scheme 2023. Collection method: clinical testing. Allele origin: germline.
Comment: The p.Q331L variant (also known as c.992A>T), located in coding exon 10 of the A2ML1 gene, results from an A to T substitution at nucleotide position 992. The glutamine at codon 331 is replaced by leucine, an amino acid with dissimilar properties. This amino acid position is conserved. In addition, this alteration is predicted to be tolerated by in silico analysis. Since supporting evidence is limited at this time, the clinical significance of this alteration remains unclear.

NM_144670.6(A2ML1):c.992A>T (p.Gln331Leu)

Gene: A2ML1 (alpha-2-macroglobulin like 1; plus strand). Cytogenetic location: 12p13.31.
Variant type: single nucleotide variant.
Coding change: c.992A>T on transcript NM_144670.6 (MANE Select); coding-DNA position 992, A replaced by T.
Protein change: p.Gln331Leu; replaces glutamine 331 with leucine.
Molecular consequence: missense variant.
Genome position (GRCh38, 1-based): chr12:8,839,134, A>T. VCF-style: chr12-8839134-A-T. GRCh37 (hg19) VCF-style: chr12-8991730-A-T.
Other names: short protein forms Q331L.
Identifiers: ClinVar variation 2449334 (VCV002449334.2), dbSNP rs997290333, ClinGen allele CA232673179.